The following is an entry in ClinVar:

NM_001458.5(FLNC):c.7990+9C>T

Genes: FLNC (filamin C; plus strand), FLNC-AS1 (FLNC antisense RNA 1; minus strand). Cytogenetic location: 7q32.1.
Variant type: single nucleotide variant.
Coding change: c.7990+9C>T on transcript NM_001458.5 (MANE Select); 9 bases into the intron after coding-DNA position 7990, C replaced by T.
Molecular consequence: intron variant.
Genome position (GRCh38, 1-based): chr7:128,858,226, C>T. VCF-style: chr7-128858226-C-T. GRCh37 (hg19) VCF-style: chr7-128498280-C-T.
Other names: p.?; c.7891+9C>T (NM_001127487.2).
Identifiers: ClinVar variation 387017 (VCV000387017.29), dbSNP rs566679569, ClinGen allele CA4476391.
Genomic context (GRCh38, chr7:128,858,226, plus strand): 5'-CAGGCCTTCGTGGGCCAGAAGAACTCCTTCACCGTGGACTGCAGCAAAGCAGGCAGGTGG[C>T]GGGGGGAGGGCGTCTCCCGGGGTGTGAGCAAGAAGCCGTCAGGGAGCAGGGTGTGGGTCA-3'

ClinVar aggregate classification (germline): Benign/Likely benign. Review status: criteria provided, multiple submitters, no conflicts (2 of 4 stars). 12 submissions from 12 submitters: Benign (3); Likely benign (5). 4 of the submissions do not count toward it. Last evaluated 2026-07-01.

Conditions:
Myofibrillar myopathy 5. Also called: Filaminopathy (type); FILAMINOPATHY, AUTOSOMAL DOMINANT. Identifiers: Orphanet 171445, MedGen C1836050, MONDO:0012289, OMIM 609524.
Hypertrophic cardiomyopathy 26. Also called: Cardiomyopathy, familial hypertrophic, 26. Identifiers: Orphanet 75249, MedGen C4310749, MONDO:0014883, OMIM 617047.
Distal myopathy with posterior leg and anterior hand involvement. Also called: WILLIAMS DISTAL MYOPATHY. Identifiers: Orphanet 63273, MedGen C3279722, MONDO:0013550, OMIM 614065.
Cardiomyopathy (CMYO). Also called: Cardiomyopathies. Identifiers: Orphanet 167848, MedGen C0878544, MONDO:0004994, HP:0001638. Inheritance: Various modes of inheritance.

Allele frequency attached by ClinVar (database versions not stated): gnomAD exomes 0.00032 and 0.00037; ExAC 0.00051; gnomAD 0.00073 and 0.00077; 1000 Genomes Project 30x 0.00094; 1000 Genomes Project 0.00100; TOPMed 0.00110.
gnomAD v4.1: 548 of 1,413,094 alleles (0.039%); highest among the groups gnomAD compares: Middle Eastern, 0.21%; 1 homozygote.

Submissions (12):

CeGaT Center for Human Genetics Tuebingen
Classification: Likely benign. Last evaluated: 2026-07-01. Review status: criteria provided, single submitter. Criteria: CeGaT Center For Human Genetics Tuebingen Variant Classification Criteria Version 2. Collection method: clinical testing. Allele origin: germline. Affected: yes. Observed: 3 variant alleles.
Comment: FLNC: BP4, BS1

Labcorp Genetics (formerly Invitae), Labcorp
Classification: Benign for Distal myopathy with posterior leg and anterior hand involvement; Myofibrillar myopathy 5; Hypertrophic cardiomyopathy 26. Last evaluated: 2026-01-23. Review status: criteria provided, single submitter. Criteria: Invitae Variant Classification Sherloc (09022015). Collection method: clinical testing. Allele origin: germline.

Mayo Clinic Laboratories, Mayo Clinic
Classification: Likely benign. Last evaluated: 2025-06-12. Review status: criteria provided, single submitter. Criteria: ACMG Guidelines, 2015. Collection method: clinical testing. Allele origin: germline. Observed: 5 variant alleles.
Comment: BS1, BP4, BP7

Blueprint Genetics
Classification: Likely benign. Last evaluated: 2024-11-15. Review status: criteria provided, single submitter. Criteria: ACMG Guidelines, 2015. Collection method: clinical testing. Allele origin: germline.

Women's Health and Genetics/Laboratory Corporation of America, LabCorp
Classification: Benign. Last evaluated: 2023-11-27. Review status: criteria provided, single submitter. Criteria: LabCorp Variant Classification Summary - May 2015. Collection method: clinical testing. Allele origin: germline.

CHEO Genetics Diagnostic Laboratory, Children's Hospital of Eastern Ontario
Classification: Benign for Cardiomyopathy. Last evaluated: 2023-01-04. Review status: criteria provided, single submitter. Criteria: ACMG Guidelines, 2015. Collection method: clinical testing. Allele origin: germline.

GeneDx
Classification: Likely benign. Last evaluated: 2016-07-07. Review status: criteria provided, single submitter. Criteria: GeneDx Variant Classification (06012015). Collection method: clinical testing. Allele origin: germline. Affected: yes.
Comment: This variant is considered likely benign or benign based on one or more of the following criteria: it is a conservative change, it occurs at a poorly conserved position in the protein, it is predicted to be benign by multiple in silico algorithms, and/or has population frequency not consistent with disease.

Breakthrough Genomics
Classification: Likely benign. Review status: criteria provided, single submitter. Criteria: ACMG Guidelines, 2015. Collection method: not provided. Allele origin: germline. Inheritance: Autosomal dominant inheritance. Affected: yes.

Clinical Genetics DNA and cytogenetics Diagnostics Lab, Erasmus MC, Erasmus Medical Center
Classification: Likely benign. Review status: no assertion criteria provided. Collection method: clinical testing. Allele origin: germline. Affected: yes. Study: VKGL Data-share Consensus. Not counted in ClinVar's aggregate classification.

Clinical Genetics, Academic Medical Center
Classification: Benign. Review status: no assertion criteria provided. Collection method: clinical testing. Allele origin: germline. Affected: yes. Study: VKGL Data-share Consensus. Not counted in ClinVar's aggregate classification.

Genome Diagnostics Laboratory, University Medical Center Utrecht
Classification: Likely benign. Review status: no assertion criteria provided. Collection method: clinical testing. Allele origin: germline. Affected: yes. Study: VKGL Data-share Consensus. Not counted in ClinVar's aggregate classification.

Joint Genome Diagnostic Labs from Nijmegen and Maastricht, Radboudumc and MUMC+
Classification: Likely benign. Review status: no assertion criteria provided. Collection method: clinical testing. Allele origin: germline. Affected: yes. Study: VKGL Data-share Consensus. Not counted in ClinVar's aggregate classification.